The following is an entry in ClinVar:

ClinVar aggregate classification (germline): Uncertain significance (1 of 4 stars; one submission).

Conditions:
Inborn genetic diseases. Identifiers: MedGen C0950123, MeSH D030342.

gnomAD v4.1: 2 of 1,612,232 alleles (0.00012%); highest among the groups gnomAD compares: African/African-American, 0.0013%; no homozygotes.

Submission:

Ambry Genetics
Classification: Uncertain significance for Inborn genetic diseases. Last evaluated: 2024-12-09. Review status: criteria provided, single submitter. Criteria: Ambry Variant Classification Scheme 2023. Collection method: clinical testing. Allele origin: germline.
Comment: The p.A258S variant (also known as c.772G>T), located in coding exon 6 of the G6PC3 gene, results from a G to T substitution at nucleotide position 772. The alanine at codon 258 is replaced by serine, an amino acid with similar properties. This amino acid position is conserved. In addition, this alteration is predicted to be tolerated by in silico analysis. Based on the available evidence, the clinical significance of this variant remains unclear.

NM_138387.4(G6PC3):c.772G>T (p.Ala258Ser)

Gene: G6PC3 (glucose-6-phosphatase catalytic subunit 3; plus strand). Cytogenetic location: 17q21.31.
Variant type: single nucleotide variant.
Coding change: c.772G>T on transcript NM_138387.4 (MANE Select); coding-DNA position 772, G replaced by T.
Protein change: p.Ala258Ser; replaces alanine 258 with serine.
Molecular consequence: missense variant. On other transcripts: 3 prime UTR variant (1).
Genome position (GRCh38, 1-based): chr17:44,075,774, G>T. VCF-style: chr17-44075774-G-T. GRCh37 (hg19) VCF-style: chr17-42153142-G-T.
Other names: c.*65G>T (NM_001319945.2); c.427G>T, p.Ala143Ser (NM_001384165.1, NM_001384166.1, NM_001384167.1 and 1 more transcripts); short protein forms A143S, A258S.
Identifiers: ClinVar variation 3518086 (VCV003518086.1).